The following is an entry in ClinVar:

ClinVar aggregate classification (germline): Uncertain significance. Review status: criteria provided, multiple submitters, no conflicts (2 of 4 stars). 2 submissions from 2 submitters: Uncertain significance (2). Last evaluated 2023-11-03.

Conditions:
Snijders Blok-Campeau syndrome. Also called: INTELLECTUAL DEVELOPMENTAL DISORDER WITH MACROCEPHALY, SPEECH DELAY, AND DYSMORPHIC FACIES. Identifiers: Orphanet 599082, MedGen C4748701, MONDO:0032600, OMIM 618205.
CHD3-related disorder. Also called: CHD3-related condition.

Allele frequency attached by ClinVar (database versions not stated): ExAC 0.00001; gnomAD 0.00001; gnomAD exomes 0.00001; TOPMed 0.00003.
gnomAD v4.1: 22 of 1,614,048 alleles (0.0014%); highest among the groups gnomAD compares: Middle Eastern, 0.016%; no homozygotes.

Submissions (2):

Laboratorio de Genetica e Diagnostico Molecular, Hospital Israelita Albert Einstein
Classification: Uncertain significance for Snijders Blok-Campeau syndrome. Last evaluated: 2023-11-03. Review status: criteria provided, single submitter. Criteria: ACMG Guidelines, 2015. Collection method: clinical testing. Allele origin: germline. Affected: yes.
Comment: ACMG classification criteria: PM2 moderate, PP2 supporting

PreventionGenetics, part of Exact Sciences
Classification: Uncertain significance for CHD3-related condition. Last evaluated: 2023-05-12. Review status: criteria provided, single submitter. Criteria: ACMG Guidelines, 2015. Collection method: clinical testing. Allele origin: germline.
Comment: The CHD3 c.1997G>A variant is predicted to result in the amino acid substitution p.Arg666His. To our knowledge, this variant has not been reported in the literature. This variant is reported in 0.0065% of alleles in individuals of South Asian descent in gnomAD. At this time, the clinical significance of this variant is uncertain due to the absence of conclusive functional and genetic evidence.

NM_001005273.3(CHD3):c.1820G>A (p.Arg607His)

Gene: CHD3 (chromodomain helicase DNA binding protein 3; plus strand). Cytogenetic location: 17p13.1.
Variant type: single nucleotide variant.
Coding change: c.1820G>A on transcript NM_001005273.3 (MANE Select); coding-DNA position 1820, G replaced by A.
Protein change: p.Arg607His; replaces arginine 607 with histidine.
Molecular consequence: missense variant.
Genome position (GRCh38, 1-based): chr17:7,897,195, G>A. VCF-style: chr17-7897195-G-A. GRCh37 (hg19) VCF-style: chr17-7800513-G-A.
Other names: c.1997G>A, p.Arg666His (NM_001005271.3); c.1820G>A, p.Arg607His (NM_005852.4); short protein forms R607H, R666H.
Identifiers: ClinVar variation 2636724 (VCV002636724.2), dbSNP rs750700699, ClinGen allele CA8362753.